The following is an entry in ClinVar:

NM_000531.6(OTC):c.479T>C (p.Ile160Thr)

Gene: OTC (ornithine transcarbamylase; plus strand). Cytogenetic location: Xp11.4.
Variant type: single nucleotide variant.
Coding change: c.479T>C on transcript NM_000531.6 (MANE Select); coding-DNA position 479, T replaced by C.
Protein change: p.Ile160Thr; replaces isoleucine 160 with threonine.
Molecular consequence: missense variant.
Genome position (GRCh38, 1-based): chrX:38,401,367, T>C. VCF-style: chrX-38401367-T-C. GRCh37 (hg19) VCF-style: chrX-38260620-T-C.
Other names: short protein forms I160T.
Identifiers: ClinVar variation 97213 (VCV000097213.2), dbSNP rs67954347, ClinGen allele CA224630.

ClinVar aggregate classification (germline): Pathogenic (0 of 4 stars; one submission).

Submission:

GenMed Metabolism Lab
Classification: Pathogenic. Review status: no assertion criteria provided. Collection method: not provided. Allele origin: unknown.
Comment: p.Ile160Thr, Neonatal
ClinVar note: Converted during submission from pathogenic to Pathogenic.